The following is an entry in ClinVar:

NM_000059.4(BRCA2):c.509T>C (p.Phe170Ser)

Gene: BRCA2 (BRCA2 DNA repair associated; plus strand). Cytogenetic location: 13q13.1.
Variant type: single nucleotide variant.
Coding change: c.509T>C on transcript NM_000059.4 (MANE Select); coding-DNA position 509, T replaced by C.
Protein change: p.Phe170Ser; replaces phenylalanine 170 with serine.
Molecular consequence: missense variant.
Genome position (GRCh38, 1-based): chr13:32,326,275, T>C. VCF-style: chr13-32326275-T-C. GRCh37 (hg19) VCF-style: chr13-32900412-T-C.
Other names: c.509T>C, p.Phe170Ser (NM_001406719.1, NM_001406720.1, NM_001406721.1); c.140T>C, p.Phe47Ser (NM_001406722.1); short protein forms F170S, F47S.
Identifiers: ClinVar variation 1745329 (VCV001745329.8), dbSNP rs1483012313, ClinGen allele CA387757721.

ClinVar aggregate classification (germline): Uncertain significance. Review status: criteria provided, multiple submitters, no conflicts (2 of 4 stars). 2 submissions from 2 submitters: Uncertain significance (2). Last evaluated 2025-04-23.

Conditions:
Hereditary cancer-predisposing syndrome. Also called: Hereditary Cancer Syndrome; Neoplastic Syndromes, Hereditary; Tumor predisposition; Hereditary neoplastic syndrome. Identifiers: Orphanet 140162, MedGen C0027672, MeSH D009386, MONDO:0015356.
Hereditary breast ovarian cancer syndrome. Also called: Breast and ovarian cancer; Hereditary breast and ovarian cancer; Hereditary breast and/or ovarian cancer syndrome; BRCA1- and BRCA2-Associated Hereditary Breast and Ovarian Cancer; Hereditary breast and ovarian cancer syndrome (HBOC); Hereditary breast and ovarian cancer syndrome. Identifiers: Orphanet 145, MedGen C0677776, MeSH D061325, MONDO:0003582. Disease mechanism: loss of function.

Submissions (2):

Ambry Genetics
Classification: Uncertain significance for Hereditary cancer-predisposing syndrome. Last evaluated: 2025-04-23. Review status: criteria provided, single submitter. Criteria: Ambry Variant Classification Scheme 2023. Collection method: clinical testing. Allele origin: germline.
Comment: The p.F170S variant (also known as c.509T>C), located in coding exon 5 of the BRCA2 gene, results from a T to C substitution at nucleotide position 509. The phenylalanine at codon 170 is replaced by serine, an amino acid with highly dissimilar properties. This amino acid position is poorly conserved in available vertebrate species. In addition, this alteration is predicted to be tolerated by in silico analysis. Based on the available evidence, the clinical significance of this variant remains unclear.

Labcorp Genetics (formerly Invitae), Labcorp
Classification: Uncertain significance for Hereditary breast ovarian cancer syndrome. Last evaluated: 2022-06-01. Review status: criteria provided, single submitter. Criteria: Invitae Variant Classification Sherloc (09022015). Collection method: clinical testing. Allele origin: germline.
Comment: This variant is present in population databases (no rsID available, gnomAD 0.006%). This sequence change replaces phenylalanine, which is neutral and non-polar, with serine, which is neutral and polar, at codon 170 of the BRCA2 protein (p.Phe170Ser). This variant has not been reported in the literature in individuals affected with BRCA2-related conditions. Advanced modeling of protein sequence and biophysical properties (such as structural, functional, and spatial information, amino acid conservation, physicochemical variation, residue mobility, and thermodynamic stability) performed at Invitae indicates that this missense variant is not expected to disrupt BRCA2 protein function. In summary, the available evidence is currently insufficient to determine the role of this variant in disease. Therefore, it has been classified as a Variant of Uncertain Significance.